The following is an entry in ClinVar:

ClinVar aggregate classification (germline): Uncertain significance. Review status: criteria provided, multiple submitters, no conflicts (2 of 4 stars). 2 submissions from 2 submitters: Uncertain significance (2). Last evaluated 2025-05-15.

Conditions:
Cardiovascular phenotype. Identifiers: MedGen CN230736.

Allele frequency attached by ClinVar (database versions not stated): gnomAD exomes below 0.00001; gnomAD 0.00001; TOPMed 0.00003; 1000 Genomes Project 30x 0.00016; 1000 Genomes Project 0.00020.
gnomAD v4.1: 7 of 1,550,360 alleles (0.00045%); highest among the groups gnomAD compares: African/African-American, 0.0027%; no homozygotes.

Submissions (2):

Ambry Genetics
Classification: Uncertain significance for Cardiovascular phenotype. Last evaluated: 2025-05-15. Review status: criteria provided, single submitter. Criteria: Ambry Variant Classification Scheme 2023. Collection method: clinical testing. Allele origin: germline.

Labcorp Genetics (formerly Invitae), Labcorp
Classification: Uncertain significance. Last evaluated: 2024-12-18. Review status: criteria provided, single submitter. Criteria: Invitae Variant Classification Sherloc (09022015). Collection method: clinical testing. Allele origin: germline.
Comment: This sequence change replaces cysteine, which is neutral and slightly polar, with tyrosine, which is neutral and polar, at codon 3522 of the ZNF469 protein (p.Cys3522Tyr). This variant is present in population databases (rs554186104, gnomAD 0.01%). This variant has not been reported in the literature in individuals affected with ZNF469-related conditions. ClinVar contains an entry for this variant (Variation ID: 2624540). An algorithm developed to predict the effect of missense changes on protein structure and function (PolyPhen-2) suggests that this variant is likely to be tolerated. In summary, the available evidence is currently insufficient to determine the role of this variant in disease. Therefore, it has been classified as a Variant of Uncertain Significance.

NM_001367624.2(ZNF469):c.10649G>A (p.Cys3550Tyr)

Gene: ZNF469 (zinc finger protein 469; plus strand). Cytogenetic location: 16q24.2.
Variant type: single nucleotide variant.
Coding change: c.10649G>A on transcript NM_001367624.2 (MANE Select); coding-DNA position 10649, G replaced by A.
Protein change: p.Cys3550Tyr; replaces cysteine 3550 with tyrosine.
Molecular consequence: missense variant.
Genome position (GRCh38, 1-based): chr16:88,438,119, G>A. VCF-style: chr16-88438119-G-A. GRCh37 (hg19) VCF-style: chr16-88504527-G-A.
Other names: NM_001127464.1:c.10565G>A; short protein forms C3550Y.
Identifiers: ClinVar variation 2624540 (VCV002624540.5), dbSNP rs554186104, ClinGen allele CA286387049.